The following is an entry in ClinVar:

NM_201253.3(CRB1):c.1885A>G (p.Asn629Asp)

Gene: CRB1 (crumbs cell polarity complex component 1; plus strand). Cytogenetic location: 1q31.3.
Variant type: single nucleotide variant.
Coding change: c.1885A>G on transcript NM_201253.3 (MANE Select); coding-DNA position 1885, A replaced by G.
Protein change: p.Asn629Asp; replaces asparagine 629 with aspartic acid.
Molecular consequence: missense variant. On other transcripts: non-coding transcript variant (1).
Genome position (GRCh38, 1-based): chr1:197,421,713, A>G. VCF-style: chr1-197421713-A-G. GRCh37 (hg19) VCF-style: chr1-197390843-A-G.
Other names: c.1549A>G, p.Asn517Asp (NM_001193640.2); c.1678A>G, p.Asn560Asp (NM_001257965.2); c.1885A>G, p.Asn629Asp (NM_001257966.2); short protein forms N517D, N560D, N629D.
Identifiers: ClinVar variation 2577211 (VCV002577211.1), dbSNP rs1214843496, ClinGen allele CA344032824.

ClinVar aggregate classification (germline): Uncertain significance (1 of 4 stars; one submission).

Allele frequency attached by ClinVar (database versions not stated): gnomAD exomes 0.00001.
gnomAD v4.1: 6 of 1,614,184 alleles (0.00037%); highest among the groups gnomAD compares: South Asian, 0.0066%; no homozygotes.

Submission:

Women's Health and Genetics/Laboratory Corporation of America, LabCorp
Classification: Uncertain significance. Last evaluated: 2023-07-17. Review status: criteria provided, single submitter. Criteria: LabCorp Variant Classification Summary - May 2015. Collection method: clinical testing. Allele origin: germline.
Comment: Variant summary: CRB1 c.1885A>G (p.Asn629Asp) results in a conservative amino acid change located in the Laminin G domain (IPR001791) of the encoded protein sequence. Five of five in-silico tools predict a benign effect of the variant on protein function. The variant allele was found at a frequency of 1.2e-05 in 251266 control chromosomes (gnomAD v2.1, Exomes dataset). The available data on variant occurrences in the general population are insufficient to allow any conclusion about variant significance. c.1885A>G has been reported in the literature in at least one compound heterozygous individual affected with Retinal Dystrophy (e.g., Yang_2016). These data do not allow any conclusion about variant significance. To our knowledge, no experimental evidence demonstrating an impact on protein function has been reported. The following publication was ascertained in the context of this evaluation (PMID: 27670293). No submitters have reported clinical-significance assessments for this variant to ClinVar after 2014. Based on the evidence outlined above, the variant was classified as uncertain significance.

Literature cited by the submitters: PubMed 27670293.